The following is an entry in ClinVar:

NM_015629.4(PRPF31):c.946-5C>T

Gene: PRPF31 (pre-mRNA processing factor 31; plus strand). Cytogenetic location: 19q13.42.
Variant type: single nucleotide variant.
Coding change: c.946-5C>T on transcript NM_015629.4 (MANE Select); 5 bases into the intron before coding-DNA position 946, C replaced by T.
Molecular consequence: intron variant.
Genome position (GRCh38, 1-based): chr19:54,128,068, C>T. VCF-style: chr19-54128068-C-T. GRCh37 (hg19) VCF-style: chr19-54631443-C-T.
Other names: c.946-5C>T (NM_015629.3).
Identifiers: ClinVar variation 1097930 (VCV001097930.11), dbSNP rs1287593476, ClinGen allele CA883538756.
Genomic context (GRCh38, chr19:54,128,068, plus strand): 5'-TCAGAGGAGGCCTGGGTGGGCAGCCCACGCGAGCAGCTGCAGGACCTCCCCCTCGCCCTC[C>T]CCAGGTGGGCTACGAACTGAAGGATGAGATCGAGCGCAAATTCGACAAGTGGCAGGAGCC-3'

ClinVar aggregate classification (germline): Likely benign. Review status: criteria provided, multiple submitters, no conflicts (2 of 4 stars). 3 submissions from 3 submitters: Likely benign (3). Last evaluated 2025-09-05.

Conditions:
PRPF31-related disorder. Also called: PRPF31-related condition.

Allele frequency attached by ClinVar (database versions not stated): gnomAD exomes 0.00001 and 0.00011; TOPMed 0.00007.
gnomAD v4.1: 20 of 1,548,552 alleles (0.0013%); highest among the groups gnomAD compares: Admixed American, 0.035%; no homozygotes.

Submissions (3):

PreventionGenetics, part of Exact Sciences
Classification: Likely benign for PRPF31-related condition. Last evaluated: 2025-09-05. Review status: criteria provided, single submitter. Criteria: ACMG Guidelines, 2015. Collection method: clinical testing. Allele origin: germline.
Comment: This variant is classified as likely benign based on ACMG/AMP sequence variant interpretation guidelines (Richards et al. 2015 PMID: 25741868, with internal and published modifications).

Labcorp Genetics (formerly Invitae), Labcorp
Classification: Likely benign. Last evaluated: 2024-08-10. Review status: criteria provided, single submitter. Criteria: Invitae Variant Classification Sherloc (09022015). Collection method: clinical testing. Allele origin: germline.

Blueprint Genetics
Classification: Likely benign. Last evaluated: 2022-03-06. Review status: criteria provided, single submitter. Criteria: ACMG Guidelines, 2015. Collection method: clinical testing. Allele origin: germline.